The following is an entry in ClinVar:

ClinVar aggregate classification (germline): Pathogenic (1 of 4 stars; one submission).

Submission:

Labcorp Genetics (formerly Invitae), Labcorp
Classification: Pathogenic. Last evaluated: 2024-07-03. Review status: criteria provided, single submitter. Criteria: Invitae Variant Classification Sherloc (09022015). Collection method: clinical testing. Allele origin: germline.
Comment: This sequence change creates a premature translational stop signal (p.Leu530Ilefs*14) in the MYO1E gene. It is expected to result in an absent or disrupted protein product. Loss-of-function variants in MYO1E are known to be pathogenic (PMID: 21756023, 23595123, 25349199). This variant is not present in population databases (gnomAD no frequency). This variant has not been reported in the literature in individuals affected with MYO1E-related conditions. For these reasons, this variant has been classified as Pathogenic.

Literature cited by the submitters: PubMed 21756023; PubMed 23595123; PubMed 25349199.

NM_004998.4(MYO1E):c.1586_1587insCA (p.Leu530fs)

Gene: MYO1E (myosin IE; minus strand). Cytogenetic location: 15q22.2.
Variant type: Insertion.
Coding change: c.1586_1587insCA on transcript NM_004998.4 (MANE Select); coding-DNA positions 1586 to 1587, CA inserted.
Protein change: p.Leu530fs; shifts the reading frame from leucine 530.
Molecular consequence: frameshift variant.
Genome position: GRCh38 VCF-style: chr15-59205429-A-ATG. GRCh37 (hg19) VCF-style: chr15-59497628-A-ATG.
Other names: short protein forms L530fs.
Identifiers: ClinVar variation 3658719 (VCV003658719.2).